The following is an entry in ClinVar:

ClinVar aggregate classification (germline): not provided (0 of 4 stars; one submission).

Conditions:
Large for gestational age. Identifiers: MedGen C1848395, HP:0001520.

Submission:

Institute of Molecular and Cell Biology, University of Tartu
No classification provided. Condition: Large for gestational age. Review status: no classification provided. Collection method: case-control. Allele origin: unknown. Affected: yes. Study: Kasak2014.
Comment: The study aimed to determine the contribution of copy number variants in the genetic etiology of normal and complicated pregnancies. The samples represented (i) maternal blood DNA drawn from healthy pregnant women during 1st or 2nd trimester and (ii) maternal and paternal blood DNA drawn at term pregnancy cases representing normal and complicated gestations (severe preeclampsia, PE; gestational diabetes, GD; small-for-gestational age newborn, SGA; large-for-gestational age newborn, LGA). We performed CNV calling based on genome-wide genotyping dataset (Illumina HumanOmniExpress-24-v1 BeadChip) by applying three algorithms, QuantiSNP, GADA (Genome Alteration Detection Algorithm) and CNstream in parallel. The acquired CNV calls were merged with HD-CNV (Hotspot Detector for Copy Number Variants) program and only the CNVs predicted by at least two programs, were considered in subsequent analysis.

Literature cited by the submitters: PubMed 25666259.

NM_030905.2(OR2J2):c.-46717_20023del

Genes: OR2J2 (olfactory receptor family 2 subfamily J member 2; plus strand), LOC126859636 (P300/CBP strongly-dependent group 1 enhancer GRCh37_chr6:29127190-29128389; plus strand). Cytogenetic location: 6p22.1.
Variant type: Deletion.
Coding change: c.-46717_20023del on transcript NM_030905.2; 46717 bases upstream of the start codon through coding-DNA position 20023, this stretch deleted.
Identifiers: ClinVar variation 157003 (VCV000157003.2).